The following is an entry in ClinVar:

ClinVar aggregate classification (germline): Uncertain significance (1 of 4 stars; one submission).

Conditions:
Tumor predisposition syndrome 3 (TPDS3). Also called: Melanoma, cutaneous malignant, susceptibility to, 10; Glioma susceptibility 9; LONG TELOMERE SYNDROME, POT1-RELATED; POT1 Tumor Predisposition. Identifiers: Orphanet 618, MedGen C4014476, MONDO:0014368, OMIM 615848.

Submission:

Labcorp Genetics (formerly Invitae), Labcorp
Classification: Uncertain significance for Tumor predisposition syndrome 3. Last evaluated: 2020-04-10. Review status: criteria provided, single submitter. Criteria: Invitae Variant Classification Sherloc (09022015). Collection method: clinical testing. Allele origin: germline.
Comment: In summary, the available evidence is currently insufficient to determine the role of this variant in disease. Therefore, it has been classified as a Variant of Uncertain Significance. Algorithms developed to predict the effect of missense changes on protein structure and function (SIFT, PolyPhen-2, Align-GVGD) all suggest that this variant is likely to be tolerated, but these predictions have not been confirmed by published functional studies and their clinical significance is uncertain. This variant has not been reported in the literature in individuals with POT1-related conditions. This variant is not present in population databases (ExAC no frequency). This sequence change replaces glutamic acid with aspartic acid at codon 481 of the POT1 protein (p.Glu481Asp). The glutamic acid residue is moderately conserved and there is a small physicochemical difference between glutamic acid and aspartic acid.

NM_015450.3(POT1):c.1443A>C (p.Glu481Asp)

Gene: POT1 (protection of telomeres 1; minus strand). Cytogenetic location: 7q31.33.
Variant type: single nucleotide variant.
Coding change: c.1443A>C on transcript NM_015450.3 (MANE Select); coding-DNA position 1443, A replaced by C.
Protein change: p.Glu481Asp; replaces glutamic acid 481 with aspartic acid.
Molecular consequence: missense variant. On other transcripts: non-coding transcript variant (3).
Genome position (GRCh38, 1-based): chr7:124,835,341, T>G on the plus strand (A>C on the coding strand, the complement: POT1 is on the minus strand). VCF-style: chr7-124835341-T-G. GRCh37 (hg19) VCF-style: chr7-124475395-T-G.
Other names: c.1050A>C, p.Glu350Asp (NM_001042594.2); short protein forms E350D, E481D.
Identifiers: ClinVar variation 1052522 (VCV001052522.9), dbSNP rs2116444128, ClinGen allele CA369065678.